The following is an entry in ClinVar:

ClinVar aggregate classification (germline): Pathogenic (1 of 4 stars; one submission).

Conditions:
Pitt-Hopkins-like syndrome 2 (PTHSL2). Identifiers: Orphanet 221150, Orphanet 600663, MedGen C3280479, MONDO:0013690, OMIM 614325.

Submission:

Labcorp Genetics (formerly Invitae), Labcorp
Classification: Pathogenic for Pitt-Hopkins-like syndrome 2. Last evaluated: 2025-07-22. Review status: criteria provided, single submitter. Criteria: Invitae Variant Classification Sherloc (09022015). Collection method: clinical testing. Allele origin: germline.
Comment: This sequence change creates a premature translational stop signal (p.Tyr738*) in the NRXN1 gene. It is expected to result in an absent or disrupted protein product. Loss-of-function variants in NRXN1 are known to be pathogenic (PMID: 19896112, 21964664, 23495017, 23533028, 25149956, 30031152). This variant is not present in population databases (gnomAD no frequency). This variant has not been reported in the literature in individuals affected with NRXN1-related conditions. Algorithms developed to predict the effect of sequence changes on RNA splicing suggest that this variant may disrupt the consensus splice site. For these reasons, this variant has been classified as Pathogenic.

Literature cited by the submitters: PubMed 19896112; PubMed 21964664; PubMed 23495017; PubMed 23533028; PubMed 25149956; PubMed 30031152.

NM_001330078.2(NRXN1):c.2094T>G (p.Tyr698Ter)

Gene: NRXN1 (neurexin 1; minus strand). Cytogenetic location: 2p16.3.
Variant type: single nucleotide variant.
Coding change: c.2094T>G on transcript NM_001330078.2 (MANE Select); coding-DNA position 2094, T replaced by G.
Protein change: p.Tyr698Ter; replaces tyrosine 698 with a stop codon.
Molecular consequence: nonsense.
Genome position (GRCh38, 1-based): chr2:50,538,302, A>C on the plus strand (T>G on the coding strand, the complement: NRXN1 is on the minus strand). VCF-style: chr2-50538302-A-C. GRCh37 (hg19) VCF-style: chr2-50765440-A-C.
Other names: c.2214T>G, p.Tyr738Ter (NM_001135659.3); c.2070T>G, p.Tyr690Ter (NM_001330077.2, NM_001330082.2, NM_001330095.2); c.2055T>G, p.Tyr685Ter (NM_001330083.2, NM_001330084.2); c.2094T>G, p.Tyr698Ter (NM_001330085.2, NM_001330086.2, NM_004801.6); c.2010T>G, p.Tyr670Ter (NM_001330087.2, NM_001330096.2); c.2040T>G, p.Tyr680Ter (NM_001330088.2); c.2091T>G, p.Tyr697Ter (NM_001330093.2); c.2082T>G, p.Tyr694Ter (NM_001330094.2); short protein forms Y670*, Y685*, Y697*, Y690*, Y694*, Y738*, Y680*, Y698*.
Identifiers: ClinVar variation 4723788 (VCV004723788.1).